The following is an entry in ClinVar:

ClinVar aggregate classification (germline): Pathogenic (1 of 4 stars; one submission).

Conditions:
Early-infantile DEE. Also called: Early infantile epileptic encephalopathy with suppression bursts; Early infantile epileptic encephalopathy; Ohtahara syndrome. Identifiers: Orphanet 1934, MedGen C0393706, MONDO:0800491.

Submission:

Labcorp Genetics (formerly Invitae), Labcorp
Classification: Pathogenic for Early-infantile DEE. Last evaluated: 2022-02-05. Review status: criteria provided, single submitter. Criteria: Invitae Variant Classification Sherloc (09022015). Collection method: clinical testing. Allele origin: germline.
Comment: This variant has not been reported in the literature in individuals affected with KCNQ2-related conditions. This variant is not present in population databases (gnomAD no frequency). This sequence change results in a frameshift in the KCNQ2 gene (p.Asp735Alafs*195). While this is not anticipated to result in nonsense mediated decay, it is expected to disrupt the last 138 amino acid(s) of the KCNQ2 protein and extend the protein by 56 additional amino acid residues. This variant disrupts a region of the KCNQ2 protein in which other variant(s) (p.Lys829Serfs*35) have been determined to be pathogenic (Invitae). This suggests that this is a clinically significant region of the protein, and that variants that disrupt it are likely to be disease-causing. For these reasons, this variant has been classified as Pathogenic.

NM_172107.4(KCNQ2):c.2204del (p.Asp735fs)

Gene: KCNQ2 (potassium voltage-gated channel subfamily Q member 2; minus strand). Cytogenetic location: 20q13.33.
Variant type: Deletion.
Coding change: c.2204del on transcript NM_172107.4 (MANE Select); coding-DNA position 2204, one base deleted (A; older notation c.2204delA).
Protein change: p.Asp735fs; shifts the reading frame from aspartic acid 735.
Molecular consequence: frameshift variant.
Genome position (GRCh38, 1-based): chr20:63,407,059, T deleted on the plus strand (A on the coding strand, the reverse complement: KCNQ2 is on the minus strand). VCF-style (leftmost placement, unchanged base first): chr20-63407058-GT-G. GRCh37 (hg19) VCF-style: chr20-62038411-GT-G.
Other names: c.2258del, p.Asp753fs (NM_001382235.1); c.2120del, p.Asp707fs (NM_004518.6); c.2150del, p.Asp717fs (NM_172106.3); c.2111del, p.Asp704fs (NM_172108.5); short protein forms D704fs, D753fs, D735fs, D707fs, D717fs.
Identifiers: ClinVar variation 1454499 (VCV001454499.7), dbSNP rs2145486022, ClinGen allele CA2573157301.